The following is an entry in ClinVar:

ClinVar aggregate classification (germline): Uncertain significance (1 of 4 stars; one submission).

Conditions:
Syndromic multisystem autoimmune disease due to ITCH deficiency. Also called: AUTOIMMUNE DISEASE, MULTISYSTEM, WITH FACIAL DYSMORPHISM. Identifiers: Orphanet 228426, MedGen C3150649, MONDO:0013245, OMIM 613385.

Allele frequency attached by ClinVar (database versions not stated): gnomAD 0.00001; ExAC 0.00002; TOPMed 0.00002; gnomAD exomes 0.00005; ESP Exome Variant Server 0.00008.
gnomAD v4.1: 67 of 1,613,712 alleles (0.0042%); highest among the groups gnomAD compares: Non-Finnish European, 0.0057%; no homozygotes.

Submission:

Labcorp Genetics (formerly Invitae), Labcorp
Classification: Uncertain significance for Syndromic multisystem autoimmune disease due to ITCH deficiency. Last evaluated: 2022-01-17. Review status: criteria provided, single submitter. Criteria: Invitae Variant Classification Sherloc (09022015). Collection method: clinical testing. Allele origin: germline.
Comment: In summary, the available evidence is currently insufficient to determine the role of this variant in disease. Therefore, it has been classified as a Variant of Uncertain Significance. Algorithms developed to predict the effect of missense changes on protein structure and function are either unavailable or do not agree on the potential impact of this missense change (SIFT: "Not Available"; PolyPhen-2: "Benign"; Align-GVGD: "Not Available"). This variant has not been reported in the literature in individuals affected with ITCH-related conditions. This variant is present in population databases (rs372508275, gnomAD 0.003%). This sequence change replaces serine, which is neutral and polar, with glycine, which is neutral and non-polar, at codon 243 of the ITCH protein (p.Ser243Gly).

NM_031483.7(ITCH):c.727A>G (p.Ser243Gly)

Gene: ITCH (itchy E3 ubiquitin protein ligase; plus strand). Cytogenetic location: 20q11.22.
Variant type: single nucleotide variant.
Coding change: c.727A>G on transcript NM_031483.7 (MANE Select); coding-DNA position 727, A replaced by G.
Protein change: p.Ser243Gly; replaces serine 243 with glycine.
Molecular consequence: missense variant.
Genome position (GRCh38, 1-based): chr20:34,440,202, A>G. VCF-style: chr20-34440202-A-G. GRCh37 (hg19) VCF-style: chr20-33028007-A-G.
Other names: c.850A>G, p.Ser284Gly (NM_001257137.3, NM_001324197.2); c.397A>G, p.Ser133Gly (NM_001257138.3); c.727A>G, p.Ser243Gly (NM_001324198.2); short protein forms S284G, S133G, S243G.
Identifiers: ClinVar variation 1966982 (VCV001966982.5), dbSNP rs372508275, ClinGen allele CA9821422.